The following is an entry in ClinVar:

NM_006206.6(PDGFRA):c.2659G>C (p.Glu887Gln)

Gene: PDGFRA (platelet derived growth factor receptor alpha; plus strand). Cytogenetic location: 4q12.
Variant type: single nucleotide variant.
Coding change: c.2659G>C on transcript NM_006206.6 (MANE Select); coding-DNA position 2659, G replaced by C.
Protein change: p.Glu887Gln; replaces glutamic acid 887 with glutamine.
Molecular consequence: missense variant.
Genome position (GRCh38, 1-based): chr4:54,287,526, G>C. VCF-style: chr4-54287526-G-C. GRCh37 (hg19) VCF-style: chr4-55153693-G-C.
Other names: c.2734G>C, p.Glu912Gln (NM_001347828.2); c.2659G>C, p.Glu887Gln (NM_001347829.2); c.2698G>C, p.Glu900Gln (NM_001347830.2); short protein forms E887Q, E912Q, E900Q.
Identifiers: ClinVar variation 3658374 (VCV003658374.2).
Genomic context (GRCh38, chr4:54,287,526, plus strand): 5'-ATCTTTGACAACCTCTACACCACACTGAGTGATGTCTGGTCTTATGGCATTCTGCTCTGG[G>C]AGATCTTTTCCCTTGGTATGGGCCTGACATTGCTGCTTATTTGGGCTGTTCTGAAACACC-3'
Protein context (NP_006197.1, residues 877-897): DVWSYGILLW[Glu887Gln]IFSLGGTPYP

ClinVar aggregate classification (germline): Uncertain significance (1 of 4 stars; one submission).

Conditions:
Gastrointestinal stromal tumor. Also called: Gastrointestinal stromal tumor, somatic; Gastrointestinal stroma tumor. Identifiers: Orphanet 44890, MedGen C0238198, MeSH D046152, MONDO:0011719, OMIM 606764, HP:0100723.

Submission:

Labcorp Genetics (formerly Invitae), Labcorp
Classification: Uncertain significance for Gastrointestinal stromal tumor. Last evaluated: 2024-07-01. Review status: criteria provided, single submitter. Criteria: Invitae Variant Classification Sherloc (09022015). Collection method: clinical testing. Allele origin: germline.
Comment: This sequence change replaces glutamic acid, which is acidic and polar, with glutamine, which is neutral and polar, at codon 887 of the PDGFRA protein (p.Glu887Gln). This variant is not present in population databases (gnomAD no frequency). This variant has not been reported in the literature in individuals affected with PDGFRA-related conditions. Advanced modeling of protein sequence and biophysical properties (such as structural, functional, and spatial information, amino acid conservation, physicochemical variation, residue mobility, and thermodynamic stability) has been performed at Invitae for this missense variant, however the output from this modeling did not meet the statistical confidence thresholds required to predict the impact of this variant on PDGFRA protein function. In summary, the available evidence is currently insufficient to determine the role of this variant in disease. Therefore, it has been classified as a Variant of Uncertain Significance.